The following is an entry in ClinVar:

ClinVar aggregate classification (germline): Pathogenic. Review status: criteria provided, multiple submitters, no conflicts (2 of 4 stars). 2 submissions from 2 submitters: Pathogenic (2). Last evaluated 2023-06-23.

Conditions:
Hereditary cancer-predisposing syndrome. Also called: Tumor predisposition; Hereditary Cancer Syndrome; Neoplastic Syndromes, Hereditary; Hereditary neoplastic syndrome. Identifiers: Orphanet 140162, MedGen C0027672, MeSH D009386, MONDO:0015356.
Hereditary nonpolyposis colorectal neoplasms. Identifiers: MedGen C0009405, MeSH D003123.

Submissions (2):

Labcorp Genetics (formerly Invitae), Labcorp
Classification: Pathogenic for Hereditary nonpolyposis colorectal neoplasms. Last evaluated: 2023-06-23. Review status: criteria provided, single submitter. Criteria: Invitae Variant Classification Sherloc (09022015). Collection method: clinical testing. Allele origin: germline.
Comment: This sequence change creates a premature translational stop signal (p.Glu847*) in the MSH6 gene. It is expected to result in an absent or disrupted protein product. Loss-of-function variants in MSH6 are known to be pathogenic (PMID: 18269114, 24362816). This variant is not present in population databases (gnomAD no frequency). This variant has not been reported in the literature in individuals affected with MSH6-related conditions. ClinVar contains an entry for this variant (Variation ID: 1792792). For these reasons, this variant has been classified as Pathogenic.

Ambry Genetics
Classification: Pathogenic for Hereditary cancer-predisposing syndrome. Last evaluated: 2022-07-06. Review status: criteria provided, single submitter. Criteria: Ambry Variant Classification Scheme 2023. Collection method: clinical testing. Allele origin: germline.
Comment: The p.E847* pathogenic mutation (also known as c.2539G>T), located in coding exon 4 of the MSH6 gene, results from a G to T substitution at nucleotide position 2539. This changes the amino acid from a glutamic acid to a stop codon within coding exon 4. This mutation was identified as somatic in an endometrial tumor demonstrating loss of MSH6 by IHC and a second somatic MSH6 mutation and two MSH6 missense alterations (Watkins JC et al. Int. J. Gynecol. Pathol. 2017 Mar;36:115-127). This alteration is expected to result in loss of function by premature protein truncation or nonsense-mediated mRNA decay. As such, this alteration is interpreted as a disease-causing mutation.

Literature cited by the submitters: PubMed 18269114 (cited by Labcorp Genetics (formerly Invitae), Labcorp); PubMed 24362816 (cited by Labcorp Genetics (formerly Invitae), Labcorp); PubMed 27556954 (cited by Ambry Genetics).

NM_000179.3(MSH6):c.2539G>T (p.Glu847Ter)

Gene: MSH6 (mutS homolog 6; plus strand). Cytogenetic location: 2p16.3.
Variant type: single nucleotide variant.
Coding change: c.2539G>T on transcript NM_000179.3 (MANE Select); coding-DNA position 2539, G replaced by T.
Protein change: p.Glu847Ter; replaces glutamic acid 847 with a stop codon.
Molecular consequence: nonsense.
Genome position (GRCh38, 1-based): chr2:47,800,522, G>T. VCF-style: chr2-47800522-G-T. GRCh37 (hg19) VCF-style: chr2-48027661-G-T.
Other names: c.2149G>T, p.Glu717Ter (NM_001281492.2); c.1633G>T, p.Glu545Ter (NM_001281493.2, NM_001281494.2, NM_001406811.1 and 6 more transcripts); c.2635G>T, p.Glu879Ter (NM_001406795.1, NM_001406802.1); c.2539G>T, p.Glu847Ter (NM_001406796.1, NM_001406798.1, NM_001406800.1 and 2 more transcripts); c.2242G>T, p.Glu748Ter (NM_001406797.1, NM_001406801.1, NM_001406805.1 and 10 more transcripts); c.2014G>T, p.Glu672Ter (NM_001406799.1, NM_001406806.1, NM_001406807.1); c.2461G>T, p.Glu821Ter (NM_001406804.1); c.2545G>T, p.Glu849Ter (NM_001406813.1); and 1 more; short protein forms E791*, E821*, E879*, E672*, E717*, E849*, E545*, E748*.
Identifiers: ClinVar variation 1792792 (VCV001792792.5), dbSNP rs775625082, ClinGen allele CA346754516.